The following is an entry in ClinVar:

NM_000368.5(TSC1):c.809C>A (p.Ser270Ter)

Gene: TSC1 (TSC complex subunit 1; minus strand). Cytogenetic location: 9q34.13.
Variant type: single nucleotide variant.
Coding change: c.809C>A on transcript NM_000368.5 (MANE Select); coding-DNA position 809, C replaced by A.
Protein change: p.Ser270Ter; replaces serine 270 with a stop codon.
Molecular consequence: nonsense.
Genome position (GRCh38, 1-based): chr9:132,912,386, G>T on the plus strand (C>A on the coding strand, the complement: TSC1 is on the minus strand). VCF-style: chr9-132912386-G-T. GRCh37 (hg19) VCF-style: chr9-135787773-G-T.
Other names: c.809C>A, p.Ser270Ter (NM_001162426.2); c.656C>A, p.Ser219Ter (NM_001162427.2); c.446C>A, p.Ser149Ter (NM_001362177.2); short protein forms S149*, S270*, S219*.
Identifiers: ClinVar variation 870968 (VCV000870968.41), dbSNP rs878853968, ClinGen allele CA375369438.

ClinVar aggregate classification (germline): Pathogenic (1 of 4 stars; one submission).

Submission:

CeGaT Center for Human Genetics Tuebingen
Classification: Pathogenic. Last evaluated: 2025-09-01. Review status: criteria provided, single submitter. Criteria: CeGaT Center For Human Genetics Tuebingen Variant Classification Criteria Version 2. Collection method: clinical testing. Allele origin: germline. Affected: yes. Observed: 3 variant alleles.
Comment: TSC1: PVS1, PM2